The following is an entry in ClinVar:

ClinVar aggregate classification (germline): Conflicting classifications of pathogenicity. Review status: criteria provided, conflicting classifications (1 of 4 stars). 4 submissions from 4 submitters: Likely pathogenic (1); Uncertain significance (3). Last evaluated 2024-12-30.

Conditions:
Developmental and epileptic encephalopathy, 42 (DEE42A). Also called: Epileptic encephalopathy, early infantile, 42; DEVELOPMENTAL AND EPILEPTIC ENCEPHALOPATHY 42A; EPILEPTIC ENCEPHALOPATHY, EARLY INFANTILE, 42A. Identifiers: MedGen C4310716, MONDO:0014917, OMIM 617106.
Episodic ataxia type 2 (EA2). Also called: ACETAZOLAMIDE-RESPONSIVE HEREDITARY PAROXYSMAL CEREBELLAR ATAXIA; ATAXIA, EPISODIC, WITH NYSTAGMUS; ATAXIA, FAMILIAL PAROXYSMAL; CEREBELLAR ATAXIA, PAROXYSMAL, ACETAZOLAMIDE-RESPONSIVE; CEREBELLOPATHY, HEREDITARY PAROXYSMAL; EPISODIC ATAXIA, NYSTAGMUS-ASSOCIATED. Identifiers: Orphanet 97, MedGen C1720416, MONDO:0007163, OMIM 108500.

gnomAD v4.1: 3 of 1,559,202 alleles (0.00019%); highest among the groups gnomAD compares: Non-Finnish European, 0.00026%; no homozygotes.

Submissions (4):

Labcorp Genetics (formerly Invitae), Labcorp
Classification: Uncertain significance for Developmental and epileptic encephalopathy, 42; Episodic ataxia type 2. Last evaluated: 2024-12-30. Review status: criteria provided, single submitter. Criteria: Invitae Variant Classification Sherloc (09022015). Collection method: clinical testing. Allele origin: germline.
Comment: This sequence change replaces alanine, which is neutral and non-polar, with threonine, which is neutral and polar, at codon 278 of the CACNA1A protein (p.Ala278Thr). This variant is not present in population databases (gnomAD no frequency). This variant has not been reported in the literature in individuals affected with CACNA1A-related conditions. ClinVar contains an entry for this variant (Variation ID: 570273). Invitae Evidence Modeling of protein sequence and biophysical properties (such as structural, functional, and spatial information, amino acid conservation, physicochemical variation, residue mobility, and thermodynamic stability) has been performed for this missense variant. However, the output from this modeling did not meet the statistical confidence thresholds required to predict the impact of this variant on CACNA1A protein function. In summary, the available evidence is currently insufficient to determine the role of this variant in disease. Therefore, it has been classified as a Variant of Uncertain Significance.

GeneDx
Classification: Uncertain significance. Last evaluated: 2024-04-29. Review status: criteria provided, single submitter. Criteria: GeneDx Variant Classification Process June 2021. Collection method: clinical testing. Allele origin: germline. Affected: yes.
Comment: Not observed at significant frequency in large population cohorts (gnomAD); In silico analysis supports that this missense variant has a deleterious effect on protein structure/function; Has not been previously published as pathogenic or benign to our knowledge

Athena Diagnostics
Classification: Uncertain significance. Last evaluated: 2022-02-16. Review status: criteria provided, single submitter. Criteria: Athena Diagnostics Criteria. Collection method: clinical testing. Allele origin: unknown.

Breda Genetics srl
Classification: Likely pathogenic for Developmental and epileptic encephalopathy, 42. Last evaluated: 2020-05-15. Review status: criteria provided, single submitter. Criteria: ACMG Guidelines, 2015. Collection method: clinical testing. Allele origin: de novo. Inheritance: Autosomal dominant inheritance. Affected: yes. Observed: 1 variant allele, 1 heterozygote.
Comment: We have detected a heterozygous variant in exon 6 of the CACNA1A gene, c.832G>A (p.Ala278Thr), rs1013100046, reference transcript NM_001127221.1. The variant is reported as uncertain for early infantile epileptic encephalopathy-42 and episodic ataxia type 2 in ClinVar (Variation ID: 570273). There is no information on frequency in gnomAD, 1000 Genomes or NHLI Exome Sequencing Project (ESP). The nucleotide position is conserved across 35 mammalian species (GERP RS: 5.27). In silico analysis indicates that the variant might be damaging.

NM_001127222.2(CACNA1A):c.832G>A (p.Ala278Thr)

Gene: CACNA1A (calcium voltage-gated channel subunit alpha1 A; minus strand). Cytogenetic location: 19p13.13.
Variant type: single nucleotide variant.
Coding change: c.832G>A on transcript NM_001127222.2 (MANE Select); coding-DNA position 832, G replaced by A.
Protein change: p.Ala278Thr; replaces alanine 278 with threonine.
Molecular consequence: missense variant.
Genome position (GRCh38, 1-based): chr19:13,359,752, C>T on the plus strand (G>A on the coding strand, the complement: CACNA1A is on the minus strand). VCF-style: chr19-13359752-C-T. GRCh37 (hg19) VCF-style: chr19-13470566-C-T.
Other names: c.832G>A (NM_023035.2); c.832G>A, p.Ala278Thr (NM_000068.4, NM_001127221.2, NM_001174080.2 and 1 more transcripts); short protein forms A278T.
Identifiers: ClinVar variation 570273 (VCV000570273.14), dbSNP rs1013100046, ClinGen allele CA404347329.